The following is an entry in ClinVar:

ClinVar aggregate classification (germline): Uncertain significance (1 of 4 stars; one submission).

Allele frequency attached by ClinVar (database versions not stated): gnomAD exomes 0.00001; ExAC 0.00003.
gnomAD v4.1: 17 of 1,596,468 alleles (0.0011%); highest among the groups gnomAD compares: Non-Finnish European, 0.0014%; no homozygotes.

Submission:

Labcorp Genetics (formerly Invitae), Labcorp
Classification: Uncertain significance. Last evaluated: 2022-03-22. Review status: criteria provided, single submitter. Criteria: Invitae Variant Classification Sherloc (09022015). Collection method: clinical testing. Allele origin: germline.
Comment: In summary, the available evidence is currently insufficient to determine the role of this variant in disease. Therefore, it has been classified as a Variant of Uncertain Significance. Algorithms developed to predict the effect of missense changes on protein structure and function are either unavailable or do not agree on the potential impact of this missense change (SIFT: "Deleterious"; PolyPhen-2: "Benign"; Align-GVGD: "Class C0"). This variant has not been reported in the literature in individuals affected with BRD4-related conditions. This variant is present in population databases (rs201420374, gnomAD 0.005%). This sequence change replaces alanine, which is neutral and non-polar, with threonine, which is neutral and polar, at codon 1272 of the BRD4 protein (p.Ala1272Thr).

NM_001379291.1(BRD4):c.3814G>A (p.Ala1272Thr)

Gene: BRD4 (bromodomain containing 4; minus strand). Cytogenetic location: 19p13.12.
Variant type: single nucleotide variant.
Coding change: c.3814G>A on transcript NM_001379291.1 (MANE Select); coding-DNA position 3814, G replaced by A.
Protein change: p.Ala1272Thr; replaces alanine 1272 with threonine.
Molecular consequence: missense variant.
Genome position (GRCh38, 1-based): chr19:15,238,949, C>T on the plus strand (G>A on the coding strand, the complement: BRD4 is on the minus strand). VCF-style: chr19-15238949-C-T. GRCh37 (hg19) VCF-style: chr19-15349760-C-T.
Other names: c.3814G>A, p.Ala1272Thr (NM_058243.3); short protein forms A1272T.
Identifiers: ClinVar variation 1972966 (VCV001972966.5), dbSNP rs201420374, ClinGen allele CA9264516.